The following is an entry in ClinVar:

NM_001277115.2(DNAH11):c.13120G>A (p.Val4374Met)

Gene: DNAH11 (dynein axonemal heavy chain 11; plus strand). Cytogenetic location: 7p15.3.
Variant type: single nucleotide variant.
Coding change: c.13120G>A on transcript NM_001277115.2 (MANE Select); coding-DNA position 13120, G replaced by A.
Protein change: p.Val4374Met; replaces valine 4374 with methionine.
Molecular consequence: missense variant.
Genome position (GRCh38, 1-based): chr7:21,899,406, G>A. VCF-style: chr7-21899406-G-A. GRCh37 (hg19) VCF-style: chr7-21939024-G-A.
Other names: c.13141G>A, p.Val4381Met (NM_003777.3); short protein forms V4374M, V4381M.
Identifiers: ClinVar variation 1769687 (VCV001769687.5), dbSNP rs560018723, ClinGen allele CA366955429.

ClinVar aggregate classification (germline): Conflicting classifications of pathogenicity. Review status: criteria provided, conflicting classifications (1 of 4 stars). 2 submissions from 2 submitters: Uncertain significance (1); Likely benign (1). Last evaluated 2026-01-12.

Conditions:
Primary ciliary dyskinesia. Also called: Ciliary dyskinesia. Identifiers: Orphanet 244, MedGen C0008780, MONDO:0016575, HP:0012265.

Submissions (2):

Labcorp Genetics (formerly Invitae), Labcorp
Classification: Likely benign for Primary ciliary dyskinesia. Last evaluated: 2026-01-12. Review status: criteria provided, single submitter. Criteria: Invitae Variant Classification Sherloc (09022015). Collection method: clinical testing. Allele origin: germline.

Ambry Genetics
Classification: Uncertain significance for Primary ciliary dyskinesia. Last evaluated: 2018-12-26. Review status: criteria provided, single submitter. Criteria: Ambry Variant Classification Scheme 2023. Collection method: clinical testing. Allele origin: germline.
Comment: The p.V4374M variant (also known as c.13120G>A), located in coding exon 80 of the DNAH11 gene, results from a G to A substitution at nucleotide position 13120. The valine at codon 4374 is replaced by methionine, an amino acid with highly similar properties. This amino acid position is highly conserved in available vertebrate species. In addition, this alteration is predicted to be and deleterious by PolyPhen and SIFT in silico analyses, respectively. Since supporting evidence is limited at this time, the clinical significance of this alteration remains unclear.